The following is an entry in ClinVar:

ClinVar aggregate classification (germline): Uncertain significance (1 of 4 stars; one submission).

Conditions:
Charcot-Marie-Tooth disease type 4C (CMT4C). Also called: CHARCOT-MARIE-TOOTH DISEASE, DEMYELINATING, AUTOSOMAL RECESSIVE, TYPE 4C; SH3TC2-Related Hereditary Motor and Sensory Neuropathy; Charcot-Marie-Tooth Neuropathy Type 4C (CMT4C); CMT 4C; CHARCOT-MARIE-TOOTH DISEASE, DEMYELINATING, TYPE 4C. Identifiers: Orphanet 99949, MedGen C1866636, MONDO:0011113, OMIM 601596.

Allele frequency attached by ClinVar (database versions not stated): gnomAD exomes below 0.00001.

Submission:

Neuberg Centre For Genomic Medicine, NCGM
Classification: Uncertain significance for Charcot-Marie-Tooth disease type 4C. Review status: criteria provided, single submitter. Criteria: ACMG Guidelines, 2015. Collection method: clinical testing. Allele origin: germline. Inheritance: Autosomal recessive inheritance. Affected: yes.
Comment: The frameshift c.3692_3693del (p.Thr1231ArgfsTer15) variant in SH3TC2 gene has not been reported previously as a pathogenic variant nor as a benign variant, to our knowledge. The p.Thr1231ArgfsTer15 variant is novel (not in any individuals) in gnomAD Exomes and 1000 Genomes. Loss of function variants have been previously reported to be disease causing. This variant causes a frameshift starting with codon Threonine 1231, changes this amino acid to Arginine residue, and creates a premature Stop codon at position 15 of the new reading frame, denoted p.Thr1231ArgfsTer15. Since the variant is present in the last exon, functional studies will be required to prove protein truncation. Hence, the variant is classified as Uncertain Significance.

NM_024577.4(SH3TC2):c.3692_3693del (p.Thr1231fs)

Gene: SH3TC2 (SH3 domain and tetratricopeptide repeats 2; minus strand). Cytogenetic location: 5q32.
Variant type: Deletion.
Coding change: c.3692_3693del on transcript NM_024577.4 (MANE Select); coding-DNA positions 3692 to 3693, 2 bases deleted (CT; older notation c.3692_3693delCT).
Protein change: p.Thr1231fs; shifts the reading frame from threonine 1231.
Molecular consequence: frameshift variant.
Genome position (GRCh38, 1-based): chr5:149,004,885-149,004,886, AG deleted on the plus strand (CT on the coding strand, the reverse complement: SH3TC2 is on the minus strand). VCF-style (leftmost placement, unchanged base first): chr5-149004884-CAG-C. GRCh37 (hg19) VCF-style: chr5-148384447-CAG-C.
Other names: short protein forms T1231fs.
Identifiers: ClinVar variation 2585443 (VCV002585443.1), dbSNP rs2531739241, ClinGen allele CA2582341653.